The following is an entry in ClinVar:

NM_001376.5(DYNC1H1):c.5775G>C (p.Arg1925=)

Gene: DYNC1H1 (dynein cytoplasmic 1 heavy chain 1; plus strand). Cytogenetic location: 14q32.31.
Variant type: single nucleotide variant.
Coding change: c.5775G>C on transcript NM_001376.5 (MANE Select); coding-DNA position 5775, G replaced by C.
Protein change: p.Arg1925=; no amino-acid change (arginine 1925 retained).
Molecular consequence: synonymous variant.
Genome position (GRCh38, 1-based): chr14:102,007,066, G>C. VCF-style: chr14-102007066-G-C. GRCh37 (hg19) VCF-style: chr14-102473403-G-C.
Identifiers: ClinVar variation 3772377 (VCV003772377.13).

ClinVar aggregate classification (germline): Likely benign (1 of 4 stars; one submission).

gnomAD v4.1: 2 of 1,614,238 alleles (0.00012%); highest among the groups gnomAD compares: Non-Finnish European, 0.00017%; no homozygotes.

Submission:

CeGaT Center for Human Genetics Tuebingen
Classification: Likely benign. Last evaluated: 2025-01-01. Review status: criteria provided, single submitter. Criteria: CeGaT Center For Human Genetics Tuebingen Variant Classification Criteria Version 2. Collection method: clinical testing. Allele origin: germline. Affected: yes. Observed: 1 variant allele.
Comment: DYNC1H1: BP4, BP7